The following is an entry in ClinVar:

NM_001845.6(COL4A1):c.628C>T (p.Pro210Ser)

Gene: COL4A1 (collagen type IV alpha 1 chain; minus strand). Cytogenetic location: 13q34.
Variant type: single nucleotide variant.
Coding change: c.628C>T on transcript NM_001845.6 (MANE Select); coding-DNA position 628, C replaced by T.
Protein change: p.Pro210Ser; replaces proline 210 with serine.
Molecular consequence: missense variant.
Genome position (GRCh38, 1-based): chr13:110,209,415, G>A on the plus strand (C>T on the coding strand, the complement: COL4A1 is on the minus strand). VCF-style: chr13-110209415-G-A. GRCh37 (hg19) VCF-style: chr13-110861762-G-A.
Other names: c.628C>T, p.Pro210Ser (NM_001303110.2); short protein forms P210S.
Identifiers: ClinVar variation 3575750 (VCV003575750.2).

ClinVar aggregate classification (germline): Uncertain significance. Review status: criteria provided, multiple submitters, no conflicts (2 of 4 stars). 2 submissions from 2 submitters: Uncertain significance (2). Last evaluated 2025-12-08.

Conditions:
Brain small vessel disease 1 with or without ocular anomalies (BSVD1). Also called: BRAIN SMALL VESSEL DISEASE WITH HEMORRHAGE; Brain small vessel disease with or without ocular anomalies; GOULD SYNDROME 1; PORENCEPHALY, TYPE 1, AUTOSOMAL DOMINANT. Identifiers: Orphanet 2940, Orphanet 36383, Orphanet 99810, MedGen C4755307, MONDO:0008289, OMIM 175780.
Hemorrhage, intracerebral, susceptibility to (ICH). Also called: Stroke, hemorrhagic, susceptibility to. Identifiers: MedGen C3281105, MONDO:0100533, OMIM 614519.
Retinal arterial tortuosity. Also called: RETINAL HEMORRHAGE WITH VASCULAR TORTUOSITY; Retinal arteries, tortuosity of. Identifiers: Orphanet 75326, MedGen C0423401, MONDO:0008373, OMIM 180000, HP:0000631.
Autosomal dominant familial hematuria-retinal arteriolar tortuosity-contractures syndrome. Also called: Angiopathy, hereditary, with nephropathy, aneurysms, and muscle cramps; Hereditary Angiopathy with Nephropathy, Aneurysms, and Muscle Cramps (HANAC) Syndrome. Identifiers: Orphanet 73229, MedGen C2673195, MONDO:0012726, OMIM 611773.
Microangiopathy and leukoencephalopathy, pontine, autosomal dominant. Also called: DEMENTIA, HEREDITARY MULTI-INFARCT, SWEDISH TYPE; Pontine autosomal dominant microangiopathy with leukoencephalopathy. Identifiers: Orphanet 477749, MedGen C5231411, MONDO:0032814, OMIM 618564.

gnomAD v4.1: 21 of 1,608,914 alleles (0.0013%); highest among the groups gnomAD compares: Admixed American, 0.036%; no homozygotes.

Submissions (2):

Labcorp Genetics (formerly Invitae), Labcorp
Classification: Uncertain significance. Last evaluated: 2025-12-08. Review status: criteria provided, single submitter. Criteria: Invitae Variant Classification Sherloc (09022015). Collection method: clinical testing. Allele origin: germline.
Comment: This sequence change replaces proline, which is neutral and non-polar, with serine, which is neutral and polar, at codon 210 of the COL4A1 protein (p.Pro210Ser). This variant is present in population databases (no rsID available, gnomAD 0.02%). This variant has not been reported in the literature in individuals affected with COL4A1-related conditions. ClinVar contains an entry for this variant (Variation ID: 3575750). Invitae Evidence Modeling of protein sequence and biophysical properties (such as structural, functional, and spatial information, amino acid conservation, physicochemical variation, residue mobility, and thermodynamic stability) indicates that this missense variant is not expected to disrupt COL4A1 protein function with a negative predictive value of 95%. In summary, the available evidence is currently insufficient to determine the role of this variant in disease. Therefore, it has been classified as a Variant of Uncertain Significance.

Fulgent Genetics
Classification: Uncertain significance for Brain small vessel disease 1 with or without ocular anomalies; Retinal arterial tortuosity; Autosomal dominant familial hematuria-retinal arteriolar tortuosity-contractures syndrome; Hemorrhage, intracerebral, susceptibility to; Microangiopathy and leukoencephalopathy, pontine, autosomal dominant. Last evaluated: 2024-06-09. Review status: criteria provided, single submitter. Criteria: ACMG Guidelines, 2015. Collection method: clinical testing. Allele origin: germline.